The following is an entry in ClinVar:

ClinVar aggregate classification (germline): Uncertain significance (1 of 4 stars; one submission).

Conditions:
Asphyxiating thoracic dystrophy 5 (SRTD5). Also called: SHORT-RIB THORACIC DYSPLASIA 5 WITH OR WITHOUT POLYDACTYLY; SHORT-RIB THORACIC DYSPLASIA 5 WITHOUT POLYDACTYLY. Identifiers: Orphanet 474, MedGen C3280598, MONDO:0013717, OMIM 614376.
Senior-Loken syndrome 8 (SLSN8). Identifiers: Orphanet 3156, MedGen C4225376, MONDO:0014579, OMIM 616307.

gnomAD v4.1: 2 of 1,612,344 alleles (0.00012%); highest among the groups gnomAD compares: Non-Finnish European, 0.00017%; no homozygotes.

Submission:

Labcorp Genetics (formerly Invitae), Labcorp
Classification: Uncertain significance for Senior-Loken syndrome 8; Asphyxiating thoracic dystrophy 5. Last evaluated: 2022-02-24. Review status: criteria provided, single submitter. Criteria: Invitae Variant Classification Sherloc (09022015). Collection method: clinical testing. Allele origin: germline.
Comment: In summary, the available evidence is currently insufficient to determine the role of this variant in disease. Therefore, it has been classified as a Variant of Uncertain Significance. Algorithms developed to predict the effect of missense changes on protein structure and function are either unavailable or do not agree on the potential impact of this missense change (SIFT: "Deleterious"; PolyPhen-2: "Benign"; Align-GVGD: "Class C45"). ClinVar contains an entry for this variant (Variation ID: 1001369). This variant has not been reported in the literature in individuals affected with WDR19-related conditions. This variant is not present in population databases (gnomAD no frequency). This sequence change replaces arginine, which is basic and polar, with glycine, which is neutral and non-polar, at codon 194 of the WDR19 protein (p.Arg194Gly).

NM_025132.4(WDR19):c.580C>G (p.Arg194Gly)

Gene: WDR19 (WD repeat domain 19; plus strand). Cytogenetic location: 4p14.
Variant type: single nucleotide variant.
Coding change: c.580C>G on transcript NM_025132.4 (MANE Select); coding-DNA position 580, C replaced by G.
Protein change: p.Arg194Gly; replaces arginine 194 with glycine.
Molecular consequence: missense variant.
Genome position (GRCh38, 1-based): chr4:39,203,699, C>G. VCF-style: chr4-39203699-C-G. GRCh37 (hg19) VCF-style: chr4-39205319-C-G.
Other names: c.100C>G, p.Arg34Gly (NM_001317924.2); short protein forms R194G, R34G.
Identifiers: ClinVar variation 1001369 (VCV001001369.8), dbSNP rs1445634325, ClinGen allele CA356633502.
Genomic context (GRCh38, chr4:39,203,699, plus strand): 5'-TAGACACAAGTGAGATCAGAGCCTAGCAACATGCAGTTTTTCTTGATGAAGATGGATGAC[C>G]GAACCTCTGCTGCTGAAAGCATGGTAAGAATTCTAATCAAATCCACGTGCAAATCATTTG-3'
Protein context (NP_079408.3, residues 184-204): MQFFLMKMDD[Arg194Gly]TSAAESMISV